The following is an entry in ClinVar:

ClinVar aggregate classification (germline): Likely benign (0 of 4 stars; one submission).

Conditions:
ADRA2B-related disorder. Also called: ADRA2B-related condition.

Allele frequency attached by ClinVar (database versions not stated): gnomAD exomes 0.00001; TOPMed 0.00001.
gnomAD v4.1: 3 of 1,605,996 alleles (0.00019%); highest among the groups gnomAD compares: Admixed American, 0.005%; no homozygotes.

Submission:

PreventionGenetics, part of Exact Sciences
Classification: Likely benign for ADRA2B-related condition. Last evaluated: 2021-12-08. Review status: no assertion criteria provided. Collection method: clinical testing. Allele origin: germline.
Comment: This variant is classified as likely benign based on ACMG/AMP sequence variant interpretation guidelines (Richards et al. 2015 PMID: 25741868, with internal and published modifications).

NM_000682.7(ADRA2B):c.783C>T (p.Thr261=)

Gene: ADRA2B (adrenoceptor alpha 2B; minus strand). Cytogenetic location: 2q11.2.
Variant type: single nucleotide variant.
Coding change: c.783C>T on transcript NM_000682.7 (MANE Select); coding-DNA position 783, C replaced by T.
Protein change: p.Thr261=; no amino-acid change (threonine 261 retained).
Molecular consequence: synonymous variant.
Genome position (GRCh38, 1-based): chr2:96,115,367, G>A on the plus strand (C>T on the coding strand, the complement: ADRA2B is on the minus strand). VCF-style: chr2-96115367-G-A. GRCh37 (hg19) VCF-style: chr2-96781106-G-A.
Identifiers: ClinVar variation 3029464 (VCV003029464.2), dbSNP rs1681842123, ClinGen allele CA427806344.